The following is an entry in ClinVar:

ClinVar aggregate classification (germline): Pathogenic/Likely pathogenic. Review status: criteria provided, multiple submitters, no conflicts (2 of 4 stars). 16 submissions from 15 submitters: Pathogenic (10); Likely pathogenic (5). 1 of the submissions does not count toward it. Last evaluated 2025-07-17.

Conditions:
AAAS-related disorder. Also called: AAAS-related condition.
Inborn genetic diseases. Identifiers: MedGen C0950123, MeSH D030342.
Glucocorticoid deficiency with achalasia (AAAS). Also called: Achalasia-addisonianism-alacrimia syndrome; Achalasia-Addisonianism-Alacrima (Triple-A) Syndrome; ALACRIMA-ACHALASIA-ADRENAL INSUFFICIENCY NEUROLOGIC DISORDER; Addisonian achalasia syndrome; Triple-A syndrome; Alacrima-achalasia-addisonianism. Identifiers: Orphanet 869, MedGen C0271742, MONDO:0009279, OMIM 231550.
Spastic paraparesis. Identifiers: MedGen C0037771, HP:0002313.
Hyperreflexia (HRX). Identifiers: MedGen C0151889, MONDO:0007774, OMIM 145290, HP:0001347.
Babinski sign. Also called: Babinski reflex. Identifiers: MedGen C0034935, HP:0003487.

Allele frequency attached by ClinVar (database versions not stated): gnomAD exomes 0.00008 and 0.00012; ExAC 0.00009; gnomAD 0.00006 and 0.00005; TOPMed 0.00002; 1000 Genomes Project 30x 0.00016; 1000 Genomes Project 0.00020.
gnomAD v4.1: 123 of 1,613,720 alleles (0.0076%); highest among the groups gnomAD compares: Non-Finnish European, 0.007%; no homozygotes.

Submissions (16):

3billion
Classification: Pathogenic for Glucocorticoid deficiency with achalasia. Last evaluated: 2025-07-17. Review status: criteria provided, single submitter. Criteria: ACMG Guidelines, 2015. Collection method: clinical testing. Allele origin: germline. Affected: yes.
Comment: The variant is observed at an extremely low frequency in the gnomAD v4.1.0 dataset (total allele frequency: 0.008%). Predicted Consequence/Location: Missense variant. The majority of the known disease-causing variants of this gene are variants expected to result in premature termination of the protein. Functional studies provide strong evidence of the variant having a damaging effect on the gene or gene product (PMID: 18172684, 30455725). In silico tool predictions suggest damaging effect of the variant on gene or gene product [REVEL: 0.84 (>=0.6, sensitivity 0.68 and specificity 0.92)]. The same nucleotide change resulting in the same amino acid change has been previously reported as pathogenic/likely pathogenic with strong evidence (ClinVar ID: VCV000005045 /PMID: 11159947 /3billion dataset). A different missense change at the same codon (p.Ser263Leu) has been reported to be associated with AAAS-related disorder (PMID: 16609705). Therefore, this variant is classified as Pathogenic according to the recommendation of ACMG/AMP guideline.

Labcorp Genetics (formerly Invitae), Labcorp
Classification: Pathogenic. Last evaluated: 2025-07-14. Review status: criteria provided, single submitter. Criteria: Invitae Variant Classification Sherloc (09022015). Collection method: clinical testing. Allele origin: germline.
Comment: This sequence change replaces serine, which is neutral and polar, with proline, which is neutral and non-polar, at codon 263 of the AAAS protein (p.Ser263Pro). This variant is present in population databases (rs121918550, gnomAD 0.07%). This missense change has been observed in individuals with achalasia-addisonianism-alacrimia syndrome, or triple A syndrome (PMID: 11159947, 22538409). It has also been observed to segregate with disease in related individuals. This variant is also known as c.869T>C. ClinVar contains an entry for this variant (Variation ID: 5045). Invitae Evidence Modeling of protein sequence and biophysical properties (such as structural, functional, and spatial information, amino acid conservation, physicochemical variation, residue mobility, and thermodynamic stability) indicates that this missense variant is expected to disrupt AAAS protein function with a positive predictive value of 80%. For these reasons, this variant has been classified as Pathogenic.

Mayo Clinic Laboratories, Mayo Clinic
Classification: Pathogenic. Last evaluated: 2025-06-17. Review status: criteria provided, single submitter. Criteria: ACMG Guidelines, 2015. Collection method: clinical testing. Allele origin: germline. Observed: 1 variant allele.
Comment: PP1_strong, PP3_moderate, PM2_supporting, PM3_very_strong, PS3_moderate

Blueprint Genetics
Classification: Pathogenic for AAAS-related disorders. Last evaluated: 2024-11-26. Review status: criteria provided, single submitter. Criteria: ACMG Guidelines, 2015. Collection method: clinical testing. Allele origin: germline. Affected: yes. Observed: 5 variant alleles.

GeneDx
Classification: Pathogenic. Last evaluated: 2024-03-06. Review status: criteria provided, single submitter. Criteria: GeneDx Variant Classification Process June 2021. Collection method: clinical testing. Allele origin: germline. Affected: yes.
Comment: Published functional studies demonstrate that mutant ALADIN protein fails to localize to the nuclear membrane (PMID: 12730363, 15666842); In silico analysis, which includes protein predictors and evolutionary conservation, supports a deleterious effect; This variant is associated with the following publications: (PMID: 20931227, 12429595, 22538409, 15666842, 11159947, 26622478, 18628786, 16098009, 1537368, 6243664, 31589614, 29255950, 18172684, 12730363, 12752575)

Fulgent Genetics
Classification: Pathogenic for Glucocorticoid deficiency with achalasia. Last evaluated: 2024-02-21. Review status: criteria provided, single submitter. Criteria: ACMG Guidelines, 2015. Collection method: clinical testing. Allele origin: germline.

Women's Health and Genetics/Laboratory Corporation of America, LabCorp
Classification: Pathogenic for Glucocorticoid deficiency with achalasia. Last evaluated: 2023-03-09. Review status: criteria provided, single submitter. Criteria: LabCorp Variant Classification Summary - May 2015. Collection method: clinical testing. Allele origin: germline.
Comment: Variant summary: AAAS c.787T>C (p.Ser263Pro) results in a non-conservative amino acid change in the encoded protein sequence. Five of five in-silico tools predict a damaging effect of the variant on protein function. The variant allele was found at a frequency of 0.00012 in 249020 control chromosomes. This frequency is not significantly higher than estimated for a pathogenic variant in AAAS causing Glucocorticoid Deficiency With Achalasia (0.00012 vs 0.0011), allowing no conclusion about variant significance. c.787T>C has been reported in the literature as biallelic homozygous or compound heterozygous genotypes in multiple individuals affected with Glucocorticoid Deficiency With Achalasia (example, PMID: 22538409, 18172684, 12752575). These data indicate that the variant is very likely to be associated with disease. At least one publication reports experimental evidence evaluating an impact on protein function reporting a mislocalization of the GFP-tagged ALADIN protein to the cytosol resulting in an inhibition of the correct targeting of ALADIN to nuclear pore complex (NPC) (example, PMID: 18172684). Seven clinical diagnostic laboratories have submitted clinical-significance assessments for this variant to ClinVar after 2014 without evidence for independent evaluation. All laboratories classified the variant as pathogenic/likely pathogenic. Based on the evidence outlined above, the variant was classified as pathogenic.

Clinical Genetics Laboratory, Skane University Hospital Lund
Classification: Likely pathogenic. Last evaluated: 2022-05-27. Review status: criteria provided, single submitter. Criteria: ACMG Guidelines, 2015. Collection method: clinical testing. Allele origin: germline. Affected: yes.

MGZ Medical Genetics Center
Classification: Likely pathogenic for Glucocorticoid deficiency with achalasia. Last evaluated: 2022-03-30. Review status: criteria provided, single submitter. Criteria: ACMG Guidelines, 2015. Collection method: clinical testing. Allele origin: germline. Affected: yes. Observed: 1 variant allele.
Comment: ACMG criteria applied: PM3_STR, PS4_MOD, PM2_SUP, PP1, PP3

Ambry Genetics
Classification: Pathogenic for Inborn genetic diseases. Last evaluated: 2022-02-14. Review status: criteria provided, single submitter. Criteria: Ambry Variant Classification Scheme 2023. Collection method: clinical testing. Allele origin: germline.
Comment: The c.787T>C (p.S263P) alteration is located in coding exon 8 of the AAAS gene. This alteration results from a T to C substitution at nucleotide position 787, causing the serine (S) at amino acid position 263 to be replaced by a proline (P). Based on data from gnomAD, the C allele has an overall frequency of 0.01% (34/280414) total alleles studied. The highest observed frequency was 0.07% (18/25078) of European (Finnish) alleles. The p.S263P mutation has been reported in the homozygous and compound heterozygous states in multiple unrelated patients with triple A syndrome (Handschug, 2001; Prpic, 2003; Milenkovi, 2008; Dumic, 2012; Dumic, 2016; Kurnaz, 2018; internal data). This amino acid position is highly conserved in available vertebrate species. In vitro functional studies demonstrated protein mislocalization in transfected HeLa cells and patient fibroblasts (Milenkovi, 2008; J&uuml;hlen, 2018). This alteration is predicted to be deleterious by in silico analysis. Based on the available evidence, this alteration is classified as pathogenic.

SIB Swiss Institute of Bioinformatics
Classification: Likely pathogenic for Glucocorticoid deficiency with achalasia. Last evaluated: 2018-05-31. Review status: criteria provided, single submitter. Criteria: ACMG Guidelines, 2015. Collection method: curation. Allele origin: unknown.
Comment: This variant is interpreted as a Likely Pathogenic, for Achalasia-Addisonianism-Alacrima syndrome, in Autosomal Recessive manner. The following ACMG Tag(s) were applied: PP3 => Multiple lines of computational evidence support a deleterious effect on the gene or gene product. PP1 => Cosegregation with disease in multiple affected family members in a gene definitively known to cause the disease (PMID:11159947). PM2 => Absent from controls (or at extremely low frequency if recessive) in Exome Sequencing Project, 1000 Genomes Project, or Exome Aggregation Consortium. PS4-Moderate => PS4 downgraded in strength to Moderate (PMID:11159947).

Genetic Services Laboratory, University of Chicago
Classification: Likely pathogenic for Achalasia-addisonianism-alacrimia syndrome. Last evaluated: 2016-08-02. Review status: criteria provided, single submitter. Criteria: ACMG Guidelines, 2015. Collection method: clinical testing. Allele origin: germline. Affected: yes.

Centre for Mendelian Genomics, University Medical Centre Ljubljana
Classification: Pathogenic for Glucocorticoid deficiency with achalasia. Last evaluated: 2016-01-01. Review status: criteria provided, single submitter. Criteria: ACMG Guidelines, 2015. Collection method: clinical testing. Allele origin: unknown. Affected: yes.
Comment: This variant was classified as: Pathogenic. This variant was detected in homozygous state.

Centre for Mendelian Genomics, University Medical Centre Ljubljana
Classification: Pathogenic for Babinski sign; Hyperreflexia; Spastic paraparesis. Last evaluated: 2014-06-20. Review status: criteria provided, single submitter. Criteria: ACMG Guidelines, 2015. Collection method: clinical testing. Allele origin: unknown. Affected: yes.

Kariminejad - Najmabadi Pathology & Genetics Center
Classification: Likely pathogenic for Glucocorticoid deficiency with achalasia. Review status: criteria provided, single submitter. Criteria: ACMG Guidelines, 2015. Collection method: clinical testing. Allele origin: germline. Affected: no.

OMIM
Classification: Pathogenic for ACHALASIA-ADDISONIANISM-ALACRIMA SYNDROME. Last evaluated: 2003-05-01. Review status: no assertion criteria provided. Collection method: literature only. Allele origin: germline. Not counted in ClinVar's aggregate classification.

Literature cited by the submitters: PubMed 16609705 (cited by 3billion); PubMed 11159947 (cited by 6 submitters); PubMed 30455725 (cited by 3billion and Ambry Genetics); PubMed 18172684 (cited by 4 submitters); PubMed 22538409 (cited by 4 submitters); PubMed 15666842 (cited by Mayo Clinic Laboratories, Mayo Clinic); PubMed 29255950 (cited by Mayo Clinic Laboratories, Mayo Clinic and Ambry Genetics); PubMed 39387047 (cited by Mayo Clinic Laboratories, Mayo Clinic); PubMed 12752575 (cited by 3 submitters); PubMed 26243364 (cited by Ambry Genetics).

NM_015665.6(AAAS):c.787T>C (p.Ser263Pro)

Gene: AAAS (aladin WD repeat nucleoporin; minus strand). Cytogenetic location: 12q13.13.
Variant type: single nucleotide variant.
Coding change: c.787T>C on transcript NM_015665.6 (MANE Select); coding-DNA position 787, T replaced by C.
Protein change: p.Ser263Pro; replaces serine 263 with proline.
Molecular consequence: missense variant.
Genome position (GRCh38, 1-based): chr12:53,309,624, A>G on the plus strand (T>C on the coding strand, the complement: AAAS is on the minus strand). VCF-style: chr12-53309624-A-G. GRCh37 (hg19) VCF-style: chr12-53703408-A-G.
Other names: NM_001173466.1(AAAS):c.688T>C(p.Ser230Pro); NM_015665.5(AAAS):c.787T>C(p.Ser263Pro); c.688T>C, p.Ser230Pro (NM_001173466.2); short protein forms S263P, S230P.
Identifiers: ClinVar variation 5045 (VCV000005045.32), dbSNP rs121918550, ClinGen allele CA117228.